The following is an entry in ClinVar:

ClinVar aggregate classification (germline): Benign (1 of 4 stars; one submission).

Conditions:
Mitochondrial complex V (ATP synthase) deficiency, nuclear type 2. Also called: Nuclear-Encoded ATPase Deficiency, TMEM70-Related; ENCEPHALOCARDIOMYOPATHY, MITOCHONDRIAL, NEONATAL, DUE TO ATP SYNTHASE DEFICIENCY; MITOCHONDRIAL COMPLEX V (ATP SYNTHASE) DEFICIENCY, TMEM70 TYPE. Identifiers: Orphanet 1194, MedGen C3279699, MONDO:0013546, OMIM 614052.

Allele frequency attached by ClinVar (database versions not stated): gnomAD exomes 0.00173; ExAC 0.00178; 1000 Genomes Project 0.00479; gnomAD 0.00509 and 0.00540; TOPMed 0.00539; 1000 Genomes Project 30x 0.00547.
gnomAD v4.1: 1,250 of 682,186 alleles (0.18%); highest among the groups gnomAD compares: African/African-American, 1.6%; 6 homozygotes.

Submission:

Illumina Laboratory Services, Illumina
Classification: Benign for Mitochondrial complex V (ATP synthase) deficiency, nuclear type 2. Last evaluated: 2018-01-12. Review status: criteria provided, single submitter. Criteria: ICSL Variant Classification Criteria 13 December 2019. Collection method: clinical testing. Allele origin: germline.
Comment: This variant was observed in the ICSL laboratory as part of a predisposition screen in an ostensibly healthy population. It had not been previously curated by ICSL or reported in the Human Gene Mutation Database (HGMD: prior to June 1st, 2018), and was therefore a candidate for classification through an automated scoring system. Utilizing variant allele frequency, disease prevalence and penetrance estimates, and inheritance mode, an automated score was calculated to assess if this variant is too frequent to cause the disease. Based on the score and internal cut-off values, a variant classified as benign is not then subjected to further curation. The score for this variant resulted in a classification of benign for this disease.

NM_017866.6(TMEM70):c.*714G>A

Gene: TMEM70 (transmembrane protein 70; plus strand). Cytogenetic location: 8q21.11.
Variant type: single nucleotide variant.
Coding change: c.*714G>A on transcript NM_017866.6 (MANE Select); 714 bases downstream of the stop codon, G replaced by A.
Molecular consequence: 3 prime UTR variant. On other transcripts: non-coding transcript variant (1).
Genome position (GRCh38, 1-based): chr8:73,982,335, G>A. VCF-style: chr8-73982335-G-A. GRCh37 (hg19) VCF-style: chr8-74894570-G-A.
Other names: c.*1187G>A (NM_001040613.3).
Identifiers: ClinVar variation 363709 (VCV000363709.5), dbSNP rs116019026, ClinGen allele CA4784224.